The following is an entry in ClinVar:

ClinVar aggregate classification (germline): Uncertain significance (1 of 4 stars; one submission).

gnomAD v4.1: 1 of 1,614,150 alleles (0.000062%); highest among the groups gnomAD compares: Non-Finnish European, 0.000085%; no homozygotes.

Submission:

Labcorp Genetics (formerly Invitae), Labcorp
Classification: Uncertain significance. Last evaluated: 2024-07-23. Review status: criteria provided, single submitter. Criteria: Invitae Variant Classification Sherloc (09022015). Collection method: clinical testing. Allele origin: germline.
Comment: This sequence change replaces serine, which is neutral and polar, with asparagine, which is neutral and polar, at codon 243 of the CARD8 protein (p.Ser243Asn). This variant is not present in population databases (gnomAD no frequency). This variant has not been reported in the literature in individuals affected with CARD8-related conditions. An algorithm developed to predict the effect of missense changes on protein structure and function outputs the following: PolyPhen-2: "Benign". The asparagine amino acid residue is found in multiple mammalian species, which suggests that this missense change does not adversely affect protein function. In summary, the available evidence is currently insufficient to determine the role of this variant in disease. Therefore, it has been classified as a Variant of Uncertain Significance.

NM_001184900.3(CARD8):c.878G>A (p.Ser293Asn)

Gene: CARD8 (caspase recruitment domain family member 8; minus strand). Cytogenetic location: 19q13.33.
Variant type: single nucleotide variant.
Coding change: c.878G>A on transcript NM_001184900.3 (MANE Select); coding-DNA position 878, G replaced by A.
Protein change: p.Ser293Asn; replaces serine 293 with asparagine.
Molecular consequence: missense variant. On other transcripts: non-coding transcript variant (4).
Genome position (GRCh38, 1-based): chr19:48,230,595, C>T on the plus strand (G>A on the coding strand, the complement: CARD8 is on the minus strand). VCF-style: chr19-48230595-C-T. GRCh37 (hg19) VCF-style: chr19-48733852-C-T.
Other names: c.728G>A, p.Ser243Asn (NM_001184901.1, NM_001351783.2, NM_001351788.2 and 2 more transcripts); c.878G>A, p.Ser293Asn (NM_001184902.2, NM_001184903.1, NM_001351782.2); c.563G>A, p.Ser188Asn (NM_001351784.2, NM_001351787.2, NM_001351791.2 and 1 more transcripts); c.542G>A, p.Ser181Asn (NM_001351786.2); c.635G>A, p.Ser212Asn (NM_001351790.2); c.560G>A, p.Ser187Asn (NM_001365950.1); short protein forms S187N, S181N, S243N, S188N, S212N, S293N.
Identifiers: ClinVar variation 3699201 (VCV003699201.2).